The following is an entry in ClinVar:

ClinVar aggregate classification (germline): Uncertain significance (1 of 4 stars; one submission).

Submission:

GeneDx
Classification: Uncertain significance. Last evaluated: 2019-04-22. Review status: criteria provided, single submitter. Criteria: GeneDx Variant Classification Process June 2021. Collection method: clinical testing. Allele origin: germline. Affected: yes.
Comment: Not observed in large population cohorts (Lek et al., 2016); In silico analysis, which includes protein predictors and evolutionary conservation, supports a deleterious effect; Has not been previously published as pathogenic or benign to our knowledge

NM_001039213.4(CEACAM16):c.590G>A (p.Gly197Asp)

Genes: CEACAM16 (CEA cell adhesion molecule 16, tectorial membrane component; plus strand), CEACAM16-AS1 (CEACAM16, CEACAM19 and PVR antisense RNA 1; minus strand). Cytogenetic location: 19q13.32.
Variant type: single nucleotide variant.
Coding change: c.590G>A on transcript NM_001039213.4 (MANE Select); coding-DNA position 590, G replaced by A.
Protein change: p.Gly197Asp; replaces glycine 197 with aspartic acid.
Molecular consequence: missense variant.
Genome position (GRCh38, 1-based): chr19:44,704,225, G>A. VCF-style: chr19-44704225-G-A. GRCh37 (hg19) VCF-style: chr19-45207495-G-A.
Other names: short protein forms G197D.
Identifiers: ClinVar variation 1308496 (VCV001308496.2), dbSNP rs2122195213, ClinGen allele CA406288675.